The following is an entry in ClinVar:

ClinVar aggregate classification (germline): Uncertain significance (1 of 4 stars; one submission).

Allele frequency attached by ClinVar (database versions not stated): gnomAD exomes below 0.00001.
gnomAD v4.1: 1 of 1,614,010 alleles (0.000062%); highest among the groups gnomAD compares: Non-Finnish European, 0.000085%; no homozygotes.

Submission:

Labcorp Genetics (formerly Invitae), Labcorp
Classification: Uncertain significance. Last evaluated: 2022-04-01. Review status: criteria provided, single submitter. Criteria: Invitae Variant Classification Sherloc (09022015). Collection method: clinical testing. Allele origin: germline.
Comment: In summary, the available evidence is currently insufficient to determine the role of this variant in disease. Therefore, it has been classified as a Variant of Uncertain Significance. Algorithms developed to predict the effect of missense changes on protein structure and function (SIFT, PolyPhen-2, Align-GVGD) all suggest that this variant is likely to be tolerated. This variant has not been reported in the literature in individuals affected with POLE-related conditions. This variant is not present in population databases (gnomAD no frequency). This sequence change replaces glycine, which is neutral and non-polar, with alanine, which is neutral and non-polar, at codon 1801 of the POLE protein (p.Gly1801Ala).

NM_006231.4(POLE):c.5402G>C (p.Gly1801Ala)

Gene: POLE (DNA polymerase epsilon, catalytic subunit; minus strand). Cytogenetic location: 12q24.33.
Variant type: single nucleotide variant.
Coding change: c.5402G>C on transcript NM_006231.4 (MANE Select); coding-DNA position 5402, G replaced by C.
Protein change: p.Gly1801Ala; replaces glycine 1801 with alanine.
Molecular consequence: missense variant.
Genome position (GRCh38, 1-based): chr12:132,639,275, C>G on the plus strand (G>C on the coding strand, the complement: POLE is on the minus strand). VCF-style: chr12-132639275-C-G. GRCh37 (hg19) VCF-style: chr12-133215861-C-G.
Other names: short protein forms G1801A.
Identifiers: ClinVar variation 2120187 (VCV002120187.4), dbSNP rs1060500803, ClinGen allele CA387375060.
Genomic context (GRCh38, chr12:132,639,275, plus strand): 5'-AAGTGCATCACCTGGTTGTCTGCATAGATGTTGTGGTACTGGGTGATCTCCTTCACCCAG[C>G]CCACGACCATGCTCTTCAGGATCCTGAAAGAGAAGGTGCACGACACCCTCGTACCCTCAG-3'
Protein context (NP_006222.2, residues 1791-1811): TFRILKSMVV[Gly1801Ala]WVKEITQYHN